The following is an entry in ClinVar:

ClinVar aggregate classification (germline): Pathogenic/Likely pathogenic. Review status: criteria provided, multiple submitters, no conflicts (2 of 4 stars). 2 submissions from 2 submitters: Pathogenic (1); Likely pathogenic (1). Last evaluated 2022-03-01.

Conditions:
USH1C-related disorder. Also called: USH1C-related condition.

Submissions (2):

Blueprint Genetics
Classification: Likely pathogenic for USH1C-related disorders. Last evaluated: 2022-03-01. Review status: criteria provided, single submitter. Criteria: ACMG Guidelines, 2015. Collection method: clinical testing. Allele origin: germline. Affected: yes. Observed: 2 variant alleles.

Labcorp Genetics (formerly Invitae), Labcorp
Classification: Pathogenic. Last evaluated: 2020-11-28. Review status: criteria provided, single submitter. Criteria: Invitae Variant Classification Sherloc (09022015). Collection method: clinical testing. Allele origin: germline.
Comment: For these reasons, this variant has been classified as Pathogenic. Disruption of this splice site has been observed in individual(s) with Usher syndrome type 1C (PMID: 29625443). In at least one individual the data is consistent with the variant being in trans (on the opposite chromosome) from a pathogenic variant. This variant is not present in population databases (ExAC no frequency). This sequence change affects a donor splice site in intron 7 of the USH1C gene. It is expected to disrupt RNA splicing. Variants that disrupt the donor or acceptor splice site typically lead to a loss of protein function (PMID: 16199547), and loss-of-function variants in USH1C are known to be pathogenic (PMID: 10973247, 17407589, 20301442, 21203349).

Literature cited by the submitters: PubMed 29625443 (cited by Labcorp Genetics (formerly Invitae), Labcorp); PubMed 16199547 (cited by Labcorp Genetics (formerly Invitae), Labcorp); PubMed 10973247 (cited by Labcorp Genetics (formerly Invitae), Labcorp); PubMed 17407589 (cited by Labcorp Genetics (formerly Invitae), Labcorp); PubMed 20301442 (cited by Labcorp Genetics (formerly Invitae), Labcorp); PubMed 21203349 (cited by Labcorp Genetics (formerly Invitae), Labcorp).

NM_153676.4(USH1C):c.579+2T>G

Gene: USH1C (USH1 protein network component harmonin; minus strand). Cytogenetic location: 11p15.1.
Variant type: single nucleotide variant.
Coding change: c.579+2T>G on transcript NM_153676.4 (MANE Select); the canonical splice donor site of the intron after coding-DNA position 579, T replaced by G.
Molecular consequence: splice donor variant.
Genome position (GRCh38, 1-based): chr11:17,526,751, A>C on the plus strand (T>G on the coding strand, the complement: USH1C is on the minus strand). VCF-style: chr11-17526751-A-C. GRCh37 (hg19) VCF-style: chr11-17548298-A-C.
Other names: c.579+2T>G (NM_001297764.2, NM_005709.4).
Identifiers: ClinVar variation 1451480 (VCV001451480.9), dbSNP rs2133895509, ClinGen allele CA379794052.
Genomic context (GRCh38, chr11:17,526,751, plus strand): 5'-CCGGCCACCCCTCCTTGAAGATGACCCCACCCAAACCCCATCACAGGAGGTCTGGCCCTT[A>C]CCCCAGATTCCGACACAAACTGATCCACATACTGCCAAGTGAGGGGCTCATCAGGAGAGC-3'